The following is an entry in ClinVar:

ClinVar aggregate classification (germline): Pathogenic. Review status: reviewed by expert panel (3 of 4 stars). 3 submissions from 3 submitters: Pathogenic (1). 2 of the submissions do not count toward it. Last evaluated 2017-12-15.

Conditions:
Hereditary cancer-predisposing syndrome. Also called: Hereditary Cancer Syndrome; Hereditary neoplastic syndrome; Neoplastic Syndromes, Hereditary; Tumor predisposition. Identifiers: Orphanet 140162, MedGen C0027672, MeSH D009386, MONDO:0015356.
Familial cancer of breast. Also called: hereditary breast carcinoma; BREAST CANCER, FAMILIAL; Hereditary breast cancer. Identifiers: Orphanet 227535, MedGen C0346153, MONDO:0016419, OMIM 114480. Disease mechanism: loss of function.
Breast-ovarian cancer, familial, susceptibility to, 1 (BROVCA1). Also called: BRCA1 Hereditary Breast and Ovarian Cancer; OVARIAN CANCER, SUSCEPTIBILITY TO. Identifiers: Orphanet 145, MedGen C2676676, MONDO:0011450, OMIM 604370. Disease mechanism: loss of function.

Submissions (3):

Evidence-based Network for the Interpretation of Germline Mutant Alleles (ENIGMA)
Classification: Pathogenic for Breast-ovarian cancer, familial, susceptibility to, 1. Last evaluated: 2017-12-15. Review status: reviewed by expert panel. Criteria: ENIGMA BRCA1/2 Classification Criteria (2017-06-29). Collection method: curation. Allele origin: germline. Study: ENIGMA.
Comment: Variant allele predicted to encode a truncated non-functional protein.

Ambry Genetics
Classification: Pathogenic for Hereditary cancer-predisposing syndrome. Last evaluated: 2025-03-19. Review status: criteria provided, single submitter. Criteria: Ambry Variant Classification Scheme 2023. Collection method: clinical testing. Allele origin: germline. Not counted in ClinVar's aggregate classification.
Comment: The c.3715delT pathogenic mutation, located in coding exon 9 of the BRCA1 gene, results from a deletion of one nucleotide at nucleotide position 3715, causing a translational frameshift with a predicted alternate stop codon (p.S1239Lfs*25). This variant was reported in individual(s) with features consistent with BRCA1-related cancer predisposition (Uhrhammer N et al. Int J Med Sci, 2008 Jul;5:197-202). This variant is considered to be rare based on population cohorts in the Genome Aggregation Database (gnomAD). In addition to the clinical data presented in the literature, this alteration is expected to result in loss of function by premature protein truncation or nonsense-mediated mRNA decay. As such, this alteration is interpreted as a disease-causing mutation.

ClinVar Staff, National Center for Biotechnology Information (NCBI)
No classification provided. Condition: Familial cancer of breast. Review status: no classification provided. Collection method: literature only. Allele origin: germline. Affected: yes. Not counted in ClinVar's aggregate classification.

Literature cited by the submitters: PubMed 18645608 (cited by Ambry Genetics and ClinVar Staff, National Center for Biotechnology Information (NCBI)).

NM_007294.4(BRCA1):c.3715del (p.Ser1239fs)

Genes: BRCA1 (BRCA1 DNA repair associated; minus strand), LOC126862571 (BRD4-independent group 4 enhancer GRCh37_chr17:41243136-41244335; plus strand). Cytogenetic location: 17q21.31.
Variant type: Deletion.
Coding change: c.3715del on transcript NM_007294.4 (MANE Select); coding-DNA position 3715, one base deleted (T; older notation c.3715delT).
Protein change: p.Ser1239fs; shifts the reading frame from serine 1239.
Molecular consequence: frameshift variant. On other transcripts: intron variant (135).
Genome position (GRCh38, 1-based): chr17:43,091,816, A deleted on the plus strand (T on the coding strand, the reverse complement: BRCA1 is on the minus strand); the first of 2 consecutive A bases (chr17:43,091,816-43,091,817); deleting either gives the same sequence. VCF-style (leftmost placement, unchanged base first): chr17-43091815-GA-G. GRCh37 (hg19) VCF-style: chr17-41243832-GA-G.
Other names: c.788-784del (NM_007298.4, NM_001407978.1, NM_001407979.1 and 17 more transcripts); c.644-784del (NM_001408462.1, NM_001408470.1, NM_001408464.1 and 3 more transcripts); c.710-784del (NM_001408414.1, NM_001408411.1, NM_001408415.1 and 2 more transcripts); c.578-784del (NM_001408514.1, NM_001408485.1, NM_001408483.1 and 9 more transcripts); c.662-784del (NM_001408447.1, NM_001408433.1, NM_001408446.1 and 6 more transcripts); c.785-784del (NM_001408400.1, NM_001408392.1, NM_001407986.1 and 13 more transcripts); c.665-784del (NM_001408441.1, NM_001408437.1, NM_001408429.1 and 12 more transcripts); c.647-784del (NM_001408410.1, NM_001408458.1, NM_001408469.1 and 11 more transcripts); and 42 more; short protein forms S1239fs, S1192fs, S1128fs, S1150fs, S1171fs, S1191fs, S1198fs, S1236fs.
Identifiers: ClinVar variation 54976 (VCV000054976.4), dbSNP rs397509096, ClinGen allele CA002384.
Genomic context (GRCh38, chr17:43,091,815, plus strand): 5'-TTCTCCTCTGTGTTCTTAGACAGACACTCGGTAGCAACGGTGCTATGCCTAGTAGACTGA[GA>G]AGGTATATTGTTTACTTTACCAAATAACAAGTGTTGGAAGCAGGGAAGCTCTTCATCCTC-3'